The following is an entry in ClinVar:

ClinVar aggregate classification (germline): Uncertain significance. Review status: criteria provided, multiple submitters, no conflicts (2 of 4 stars). 3 submissions from 3 submitters: Uncertain significance (3). Last evaluated 2024-10-25.

Conditions:
Cleft palate. Identifiers: Orphanet 2014, MedGen C2981150, MONDO:0016064, HP:0000175.
Inborn genetic diseases. Identifiers: MedGen C0950123, MeSH D030342.

gnomAD v4.1: 179 of 1,537,140 alleles (0.012%); highest among the groups gnomAD compares: Non-Finnish European, 0.012%; no homozygotes.

Submissions (3):

Labcorp Genetics (formerly Invitae), Labcorp
Classification: Uncertain significance. Last evaluated: 2024-10-25. Review status: criteria provided, single submitter. Criteria: Invitae Variant Classification Sherloc (09022015). Collection method: clinical testing. Allele origin: germline.
Comment: This sequence change replaces valine, which is neutral and non-polar, with isoleucine, which is neutral and non-polar, at codon 1957 of the PIEZO2 protein (p.Val1957Ile). This variant is present in population databases (rs542293689, gnomAD 0.08%). This variant has not been reported in the literature in individuals affected with PIEZO2-related conditions. Invitae Evidence Modeling of protein sequence and biophysical properties (such as structural, functional, and spatial information, amino acid conservation, physicochemical variation, residue mobility, and thermodynamic stability) indicates that this missense variant is not expected to disrupt PIEZO2 protein function with a negative predictive value of 80%. In summary, the available evidence is currently insufficient to determine the role of this variant in disease. Therefore, it has been classified as a Variant of Uncertain Significance.

Ambry Genetics
Classification: Uncertain significance for Inborn genetic diseases. Last evaluated: 2024-06-10. Review status: criteria provided, single submitter. Criteria: Ambry Variant Classification Scheme 2023. Collection method: clinical testing. Allele origin: germline.

Cambridge Genomics Laboratory, East Genomic Laboratory Hub, NHS Genomic Medicine Service
Classification: Uncertain significance for Cleft palate. Last evaluated: 2020-01-10. Review status: criteria provided, single submitter. Criteria: ACGS Best Practice Guidelines for Variant Classification in Rare Disease 2020. Collection method: clinical testing. Allele origin: germline. Affected: yes. Observed: 1 variant allele.

NM_001378183.1(PIEZO2):c.6208G>A (p.Val2070Ile)

Gene: PIEZO2 (piezo type mechanosensitive ion channel component 2; minus strand). Cytogenetic location: 18p11.22.
Variant type: single nucleotide variant.
Coding change: c.6208G>A on transcript NM_001378183.1 (MANE Select); coding-DNA position 6208, G replaced by A.
Protein change: p.Val2070Ile; replaces valine 2070 with isoleucine.
Molecular consequence: missense variant.
Genome position (GRCh38, 1-based): chr18:10,704,444, C>T on the plus strand (G>A on the coding strand, the complement: PIEZO2 is on the minus strand). VCF-style: chr18-10704444-C-T. GRCh37 (hg19) VCF-style: chr18-10704442-C-T.
Other names: c.5944G>A, p.Val1982Ile (NM_001410871.1); c.5869G>A, p.Val1957Ile (NM_022068.4); short protein forms V2070I, V1957I, V1982I.
Identifiers: ClinVar variation 3306443 (VCV003306443.4).